The following is an entry in ClinVar:

ClinVar aggregate classification (germline): Benign/Likely benign (0 of 4 stars; one submission).

Submission:

ISCA site 4
Classification: Benign/Likely benign. Last evaluated: 2012-09-21. Review status: no assertion criteria provided. Collection method: clinical testing. Allele origin: unknown. Affected: yes. Observed: 2 variant alleles.
Comment: Likely benign (1), Benign (1)

Copy number variation identified through the course of routine clinical cytogenomic testing in postnatal populations, with clinical assertions as classified by the original submitter.

GRCh38/hg38 17p11.2-11.1(chr17:22209684-22706517)x1

Genes: FAM27E5 (family with sequence similarity E5; plus strand), FLJ36000 (uncharacterized FLJ36000; plus strand), LINC02002 (long intergenic non-protein coding RNA 2002; minus strand), MTRNR2L1 (MT-RNR2 like 1; plus strand), LOC105371597 (uncharacterized LOC105371597; plus strand) and 1 more. Cytogenetic location: 17p11.2-11.1.
Variant type: copy number loss.
Change: copy number 1 (one copy instead of two) of chr17:22,209,684-22,706,517 (496.8 kb, GRCh38 coordinates, 1-based), cytogenetic band 17p11.2-11.1.
Identifiers: ClinVar variation 145459 (VCV000145459.2).